The following is an entry in ClinVar:

NM_033026.6(PCLO):c.3805G>A (p.Val1269Ile)

Gene: PCLO (piccolo presynaptic cytomatrix protein; minus strand). Cytogenetic location: 7q21.11.
Variant type: single nucleotide variant.
Coding change: c.3805G>A on transcript NM_033026.6 (MANE Select); coding-DNA position 3805, G replaced by A.
Protein change: p.Val1269Ile; replaces valine 1269 with isoleucine.
Molecular consequence: missense variant.
Genome position (GRCh38, 1-based): chr7:82,965,983, C>T on the plus strand (G>A on the coding strand, the complement: PCLO is on the minus strand). VCF-style: chr7-82965983-C-T. GRCh37 (hg19) VCF-style: chr7-82595299-C-T.
Other names: c.3805G>A, p.Val1269Ile (NM_014510.3); short protein forms V1269I.
Identifiers: ClinVar variation 1451005 (VCV001451005.6), dbSNP rs1372062961, ClinGen allele CA367931901.

ClinVar aggregate classification (germline): Uncertain significance (1 of 4 stars; one submission).

Allele frequency attached by ClinVar (database versions not stated): gnomAD exomes 0.00001.
gnomAD v4.1: 5 of 1,613,762 alleles (0.00031%); highest among the groups gnomAD compares: Non-Finnish European, 0.00042%; no homozygotes.

Submission:

Labcorp Genetics (formerly Invitae), Labcorp
Classification: Uncertain significance. Last evaluated: 2024-03-04. Review status: criteria provided, single submitter. Criteria: Invitae Variant Classification Sherloc (09022015). Collection method: clinical testing. Allele origin: germline.
Comment: This sequence change replaces valine, which is neutral and non-polar, with isoleucine, which is neutral and non-polar, at codon 1269 of the PCLO protein (p.Val1269Ile). This variant is present in population databases (no rsID available, gnomAD 0.002%). This variant has not been reported in the literature in individuals affected with PCLO-related conditions. ClinVar contains an entry for this variant (Variation ID: 1451005). Experimental studies and prediction algorithms are not available or were not evaluated, and the functional significance of this variant is currently unknown. In summary, the available evidence is currently insufficient to determine the role of this variant in disease. Therefore, it has been classified as a Variant of Uncertain Significance.